The following is an entry in ClinVar:

ClinVar aggregate classification (germline): Uncertain significance. Review status: criteria provided, multiple submitters, no conflicts (2 of 4 stars). 6 submissions from 5 submitters: Uncertain significance (5). 1 of the submissions does not count toward it. Last evaluated 2025-01-06.

Conditions:
Meniere disease. Also called: Ménière's disease. Identifiers: MedGen C0025281, MONDO:0007972, OMIM 156000.
Microcephaly 6, primary, autosomal recessive. Identifiers: Orphanet 2512, MedGen C1842109, MONDO:0012029, OMIM 608393.
Seckel syndrome 4 (SCKL4). Identifiers: Orphanet 808, MedGen C3888212, MONDO:0013358, OMIM 613676.

Allele frequency attached by ClinVar (database versions not stated): ESP Exome Variant Server 0.00008; TOPMed 0.00012; 1000 Genomes Project 30x 0.00016; 1000 Genomes Project 0.00020.
gnomAD v4.1: 402 of 1,614,186 alleles (0.025%); highest among the groups gnomAD compares: Non-Finnish European, 0.029%; no homozygotes.

Submissions (6):

Labcorp Genetics (formerly Invitae), Labcorp
Classification: Uncertain significance. Last evaluated: 2025-01-06. Review status: criteria provided, single submitter. Criteria: Invitae Variant Classification Sherloc (09022015). Collection method: clinical testing. Allele origin: germline.
Comment: This sequence change replaces threonine, which is neutral and polar, with methionine, which is neutral and non-polar, at codon 1218 of the CENPJ protein (p.Thr1218Met). This variant is present in population databases (rs149855336, gnomAD 0.1%). This variant has not been reported in the literature in individuals affected with CENPJ-related conditions. ClinVar contains an entry for this variant (Variation ID: 883563). Invitae Evidence Modeling of protein sequence and biophysical properties (such as structural, functional, and spatial information, amino acid conservation, physicochemical variation, residue mobility, and thermodynamic stability) indicates that this missense variant is expected to disrupt CENPJ protein function with a positive predictive value of 80%. In summary, the available evidence is currently insufficient to determine the role of this variant in disease. Therefore, it has been classified as a Variant of Uncertain Significance.

GeneDx
Classification: Uncertain significance. Last evaluated: 2020-10-28. Review status: criteria provided, single submitter. Criteria: GeneDx Variant Classification Process June 2021. Collection method: clinical testing. Allele origin: germline. Affected: yes.
Comment: In silico analysis, which includes protein predictors and evolutionary conservation, supports a deleterious effect; Has not been previously published as pathogenic or benign to our knowledge; This variant is associated with the following publications: (PMID: 24402816)

Baylor Genetics
Classification: Uncertain significance for Microcephaly 6, primary, autosomal recessive. Last evaluated: 2018-08-30. Review status: criteria provided, single submitter. Criteria: ACMG Guidelines, 2015. Collection method: clinical testing. Allele origin: paternal. Affected: yes.
Comment: This variant was determined to be of uncertain significance according to ACMG Guidelines, 2015 [PMID:25741868].

Illumina Laboratory Services, Illumina
Classification: Uncertain significance for Microcephaly 6, primary, autosomal recessive. Last evaluated: 2017-07-14. Review status: criteria provided, single submitter. Criteria: ICSL Variant Classification Criteria 13 December 2019. Collection method: clinical testing. Allele origin: germline.
Comment: This variant was observed as part of a predisposition screen in an ostensibly healthy population. A literature search was performed for the gene, cDNA change, and amino acid change (where applicable). Publications were found based on this search. However, the evidence from the literature, in combination with allele frequency data from public databases where available, was not sufficient to rule this variant in or out of causing disease. Therefore, this variant is classified as a variant of unknown significance.

Illumina Laboratory Services, Illumina
Classification: Uncertain significance for Seckel syndrome 4. Last evaluated: 2017-07-14. Review status: criteria provided, single submitter. Criteria: ICSL Variant Classification Criteria 13 December 2019. Collection method: clinical testing. Allele origin: germline.
Comment: the same text as in the submission from Illumina Laboratory Services, Illumina above.

Center for Computational Biology & Bioinformatics, University of California, San Diego
Classification: Uncertain significance for Meniere disease. Last evaluated: 2024-06-03. Review status: no assertion criteria provided. Collection method: research. Allele origin: germline. Affected: yes. Not counted in ClinVar's aggregate classification.

Literature cited by the submitters: PubMed 24402816 (cited by Illumina Laboratory Services, Illumina).

NM_018451.5(CPAP):c.3653C>T (p.Thr1218Met)

Genes: CPAP (centrosome assembly and centriole elongation protein; minus strand), RNF17 (ring finger protein 17; plus strand). Cytogenetic location: 13q12.12.
Variant type: single nucleotide variant.
Coding change: c.3653C>T on transcript NM_018451.5 (MANE Select); coding-DNA position 3653, C replaced by T.
Protein change: p.Thr1218Met; replaces threonine 1218 with methionine.
Molecular consequence: missense variant. On other transcripts: non-coding transcript variant (2).
Genome position (GRCh38, 1-based): chr13:24,884,211, G>A on the plus strand (C>T on the coding strand, the complement: CPAP is on the minus strand). VCF-style: chr13-24884211-G-A. GRCh37 (hg19) VCF-style: chr13-25458349-G-A.
Other names: short protein forms T1218M.
Identifiers: ClinVar variation 883563 (VCV000883563.13), dbSNP rs149855336, ClinGen allele CA6919198.
Genomic context (GRCh38, chr13:24,884,211, plus strand): 5'-AAGTTTGTACCTATTTGTCCACTTGAGAAATGTAAGACTTCCAGTCCCTCCGGGTATGTC[G>A]TGTGAGTGGTCTGGGCAGCTGCATAGTAGTAGATCTGTAAAGACACACAGTCAGTCTGCC-3'
Protein context (NP_060921.3, residues 1208-1228): YYYAAAQTTH[Thr1218Met]TYPEGLEVLH